The following is an entry in ClinVar:

ClinVar aggregate classification (germline): Benign (0 of 4 stars; one submission).

Conditions:
TBXT-related disorder. Also called: TBXT-related condition.

Allele frequency attached by ClinVar (database versions not stated): gnomAD exomes 0.11160; ESP Exome Variant Server 0.13042; gnomAD 0.14656; TOPMed 0.14966; ExAC 0.15012; 1000 Genomes Project 30x 0.21424; 1000 Genomes Project 0.22065.

Submission:

PreventionGenetics, part of Exact Sciences
Classification: Benign for TBXT-related condition. Last evaluated: 2019-05-02. Review status: no assertion criteria provided. Collection method: clinical testing. Allele origin: germline.
Comment: This variant is classified as benign based on ACMG/AMP sequence variant interpretation guidelines (Richards et al. 2015 PMID: 25741868, with internal and published modifications).

NM_001366285.2(TBXT):c.1109A>G (p.Asn370Ser)

Gene: TBXT (T-box transcription factor T; minus strand). Cytogenetic location: 6q27.
Variant type: single nucleotide variant.
Coding change: c.1109A>G on transcript NM_001366285.2 (MANE Select); coding-DNA position 1109, A replaced by G.
Protein change: p.Asn370Ser; replaces asparagine 370 with serine.
Molecular consequence: missense variant.
Genome position (GRCh38, 1-based): chr6:166,158,517, T>C on the plus strand (A>G on the coding strand, the complement: TBXT is on the minus strand). VCF-style: chr6-166158517-T-C. GRCh37 (hg19) VCF-style: chr6-166572005-T-C.
Other names: c.932A>G, p.Asn311Ser (NM_001270484.2); c.1109A>G, p.Asn370Ser (NM_001366286.2); c.1106A>G, p.Asn369Ser (NM_003181.4); short protein forms N311S, N369S, N370S.
Identifiers: ClinVar variation 3059077 (VCV003059077.2), dbSNP rs3816300, ClinGen allele CA4092859.